The following is an entry in ClinVar:

ClinVar aggregate classification (germline): Likely benign (1 of 4 stars; one submission).

Conditions:
Catecholaminergic polymorphic ventricular tachycardia (CVPT). Also called: Catecholamine-induced polymorphic ventricular tachycardia. Identifiers: Orphanet 3286, MedGen C5574922, MONDO:0017990.

gnomAD v4.1: 3 of 1,613,990 alleles (0.00019%); highest among the groups gnomAD compares: Non-Finnish European, 0.00025%; no homozygotes.

Submission:

All of Us Research Program, National Institutes of Health
Classification: Likely benign for Catecholaminergic polymorphic ventricular tachycardia. Last evaluated: 2023-04-03. Review status: criteria provided, single submitter. Criteria: ACMG Guidelines, 2015. Collection method: clinical testing. Allele origin: germline. Inheritance: Autosomal dominant inheritance. Observed: 1 variant allele, 1 heterozygote.
Comment: This study involves interpretation of variants in research participants for the purpose of population health screening. Participant phenotype was not available at the time of variant classification. Additional details can be found in publication PMID: 35346344, PMCID: PMC8962531

NM_001035.3(RYR2):c.5487G>C (p.Leu1829=)

Gene: RYR2 (ryanodine receptor 2; plus strand). Cytogenetic location: 1q43.
Variant type: single nucleotide variant.
Coding change: c.5487G>C on transcript NM_001035.3 (MANE Select); coding-DNA position 5487, G replaced by C.
Protein change: p.Leu1829=; no amino-acid change (leucine 1829 retained).
Molecular consequence: synonymous variant.
Genome position (GRCh38, 1-based): chr1:237,614,615, G>C. VCF-style: chr1-237614615-G-C. GRCh37 (hg19) VCF-style: chr1-237777915-G-C.
Identifiers: ClinVar variation 3070264 (VCV003070264.1), dbSNP rs371250741, ClinGen allele CA424031085.